The following is an entry in ClinVar:

ClinVar aggregate classification (germline): Pathogenic (1 of 4 stars; one submission).

Conditions:
Hereditary cancer-predisposing syndrome. Also called: Neoplastic Syndromes, Hereditary; Tumor predisposition; Hereditary Cancer Syndrome; Hereditary neoplastic syndrome. Identifiers: Orphanet 140162, MedGen C0027672, MeSH D009386, MONDO:0015356.

Submission:

Ambry Genetics
Classification: Pathogenic for Hereditary cancer-predisposing syndrome. Last evaluated: 2020-09-14. Review status: criteria provided, single submitter. Criteria: Ambry Variant Classification Scheme 2023. Collection method: clinical testing. Allele origin: germline.
Comment: The c.334_335delCT pathogenic mutation, located in coding exon 5 of the BAP1 gene, results from a deletion of two nucleotides at nucleotide positions 334 to 335, causing a translational frameshift with a predicted alternate stop codon (p.L112Efs*13). This alteration is expected to result in loss of function by premature protein truncation or nonsense-mediated mRNA decay. As such, this alteration is interpreted as a disease-causing mutation.

NM_004656.4(BAP1):c.334_335del (p.Leu112fs)

Gene: BAP1 (BRCA1 associated deubiquitinase 1; minus strand). Cytogenetic location: 3p21.1.
Variant type: Deletion.
Coding change: c.334_335del on transcript NM_004656.4 (MANE Select); coding-DNA positions 334 to 335, 2 bases deleted (CT; older notation c.334_335delCT).
Protein change: p.Leu112fs; shifts the reading frame from leucine 112.
Molecular consequence: frameshift variant.
Genome position (GRCh38, 1-based): chr3:52,407,998-52,407,999, AG deleted on the plus strand (CT on the coding strand, the reverse complement: BAP1 is on the minus strand). VCF-style (leftmost placement, unchanged base first): chr3-52407997-CAG-C. GRCh37 (hg19) VCF-style: chr3-52442013-CAG-C.
Other names: c.334_335delCT, p.Leu112Glufs (NM_001410772.1); short protein forms L112fs.
Identifiers: ClinVar variation 1730411 (VCV001730411.2), dbSNP rs2471354667, ClinGen allele CA2580070295.